The following is an entry in ClinVar:

NM_015102.5(NPHP4):c.2186T>C (p.Phe729Ser)

Gene: NPHP4 (nephrocystin 4; minus strand). Cytogenetic location: 1p36.31.
Variant type: single nucleotide variant.
Coding change: c.2186T>C on transcript NM_015102.5 (MANE Select); coding-DNA position 2186, T replaced by C.
Protein change: p.Phe729Ser; replaces phenylalanine 729 with serine.
Molecular consequence: missense variant. On other transcripts: non-coding transcript variant (1).
Genome position (GRCh38, 1-based): chr1:5,890,986, A>G on the plus strand (T>C on the coding strand, the complement: NPHP4 is on the minus strand). VCF-style: chr1-5890986-A-G. GRCh37 (hg19) VCF-style: chr1-5951046-A-G.
Other names: c.2186T>C (NM_015102.3); c.647T>C, p.Phe216Ser (NM_001291593.2); c.650T>C, p.Phe217Ser (NM_001291594.2); short protein forms F217S, F729S, F216S.
Identifiers: ClinVar variation 1042171 (VCV001042171.9), dbSNP rs1260036696, ClinGen allele CA338059563.

ClinVar aggregate classification (germline): Uncertain significance. Review status: criteria provided, multiple submitters, no conflicts (2 of 4 stars). 2 submissions from 2 submitters: Uncertain significance (2). Last evaluated 2024-06-07.

Conditions:
Nephronophthisis. Also called: Juvenile Nephronophthisis. Identifiers: Orphanet 655, MedGen C0687120, MONDO:0019005, HP:0000090.

Allele frequency attached by ClinVar (database versions not stated): gnomAD exomes below 0.00001.
gnomAD v4.1: 2 of 1,578,742 alleles (0.00013%); highest among the groups gnomAD compares: Non-Finnish European, 0.00017%; no homozygotes.

Submissions (2):

GeneDx
Classification: Uncertain significance. Last evaluated: 2024-06-07. Review status: criteria provided, single submitter. Criteria: GeneDx Variant Classification Process June 2021. Collection method: clinical testing. Allele origin: germline. Affected: yes.
Comment: Identified in a patient with end-stage renal disease, however, this individual harbored an additional variant in a renal gene (PMID: 32203225); Not observed at significant frequency in large population cohorts (gnomAD); In silico analysis supports that this missense variant has a deleterious effect on protein structure/function; This variant is associated with the following publications: (PMID: 32203225)

Labcorp Genetics (formerly Invitae), Labcorp
Classification: Uncertain significance for Nephronophthisis. Last evaluated: 2020-06-02. Review status: criteria provided, single submitter. Criteria: Invitae Variant Classification Sherloc (09022015). Collection method: clinical testing. Allele origin: germline.
Comment: In summary, the available evidence is currently insufficient to determine the role of this variant in disease. Therefore, it has been classified as a Variant of Uncertain Significance. Algorithms developed to predict the effect of missense changes on protein structure and function are either unavailable or do not agree on the potential impact of this missense change (SIFT: "Tolerated"; PolyPhen-2: "Probably Damaging"; Align-GVGD: "Class C0"). This variant has not been reported in the literature in individuals with NPHP4-related conditions. This variant is not present in population databases (ExAC no frequency). This sequence change replaces phenylalanine with serine at codon 729 of the NPHP4 protein (p.Phe729Ser). The phenylalanine residue is moderately conserved and there is a large physicochemical difference between phenylalanine and serine.